The following is an entry in ClinVar:

ClinVar aggregate classification (germline): Pathogenic (1 of 4 stars; one submission).

Submission:

Clinical Genomics Laboratory, Laboratory for Precision Diagnostics, University of Washington
Classification: Pathogenic. Last evaluated: 2021-05-25. Review status: criteria provided, single submitter. Criteria: ACMG/ClinGen CNV Guidelines, 2019. Collection method: clinical testing. Allele origin: unknown. Affected: yes. Observed: 1 variant allele.
Comment: A pathogenic deletion of chromosome 5q35.2q35.3 was detected that fully contains the gene NSD1. Deletions of NSD1 cause Sotos syndrome.

GRCh38/hg38 5q35.2-35.3(chr5:176144576-178014188)x1

Genes: ARL10 (ARF like GTPase 10; plus strand), B4GALT7 (beta-1,4-galactosyltransferase 7; plus strand), CDHR2 (cadherin related family member 2; plus strand), CLTB (clathrin light chain B; minus strand), DBN1 (drebrin 1; minus strand) and 140 more. Cytogenetic location: 5q35.2-35.3.
Variant type: copy number loss.
Change: copy number 1 (one copy instead of two) of chr5:176,144,576-178,014,188 (1.87 Mb, GRCh38 coordinates, 1-based), cytogenetic band 5q35.2-35.3.
Identifiers: ClinVar variation 4755336 (VCV004755336.1).